The following is an entry in ClinVar:

NM_007373.4(SHOC2):c.1580A>G (p.Asn527Ser)

Gene: SHOC2 (SHOC2 leucine rich repeat scaffold protein; plus strand). Cytogenetic location: 10q25.2.
Variant type: single nucleotide variant.
Coding change: c.1580A>G on transcript NM_007373.4 (MANE Select); coding-DNA position 1580, A replaced by G.
Protein change: p.Asn527Ser; replaces asparagine 527 with serine.
Molecular consequence: missense variant. On other transcripts: non-coding transcript variant (1).
Genome position (GRCh38, 1-based): chr10:111,011,649, A>G. VCF-style: chr10-111011649-A-G. GRCh37 (hg19) VCF-style: chr10-112771407-A-G.
Other names: c.1442A>G, p.Asn481Ser (NM_001269039.3); c.1580A>G, p.Asn527Ser (NM_001324336.2, NM_001324337.2); short protein forms N481S, N527S.
Identifiers: ClinVar variation 1401446 (VCV001401446.11), dbSNP rs143242369, ClinGen allele CA5689818.

ClinVar aggregate classification (germline): Conflicting classifications of pathogenicity. Review status: criteria provided, conflicting classifications (1 of 4 stars). 5 submissions from 5 submitters: Uncertain significance (3); Likely benign (2). Last evaluated 2026-01-25.

Conditions:
Cardiovascular phenotype. Identifiers: MedGen CN230736.
SHOC2-related disorder. Also called: SHOC2-related condition.
RASopathy. Also called: rasopathies; Noonan spectrum disorder. Identifiers: Orphanet 536391, MedGen C5555857, MONDO:0021060.

Allele frequency attached by ClinVar (database versions not stated): TOPMed 0.00005; gnomAD 0.00009; gnomAD exomes 0.00013; ExAC 0.00016; ESP Exome Variant Server 0.00031.
gnomAD v4.1: 108 of 1,613,820 alleles (0.0067%); highest among the groups gnomAD compares: Non-Finnish European, 0.0081%; no homozygotes.

Submissions (5):

Labcorp Genetics (formerly Invitae), Labcorp
Classification: Uncertain significance for RASopathy. Last evaluated: 2026-01-25. Review status: criteria provided, single submitter. Criteria: Invitae Variant Classification Sherloc (09022015). Collection method: clinical testing. Allele origin: germline.
Comment: This sequence change replaces asparagine, which is neutral and polar, with serine, which is neutral and polar, at codon 527 of the SHOC2 protein (p.Asn527Ser). This variant is present in population databases (rs143242369, gnomAD 0.02%). This variant has not been reported in the literature in individuals affected with SHOC2-related conditions. ClinVar contains an entry for this variant (Variation ID: 1401446). Invitae Evidence Modeling of protein sequence and biophysical properties (such as structural, functional, and spatial information, amino acid conservation, physicochemical variation, residue mobility, and thermodynamic stability) indicates that this missense variant is expected to disrupt SHOC2 protein function with a positive predictive value of 80%. In summary, the available evidence is currently insufficient to determine the role of this variant in disease. Therefore, it has been classified as a Variant of Uncertain Significance.

PreventionGenetics, part of Exact Sciences
Classification: Uncertain significance for SHOC2-related condition. Last evaluated: 2025-04-15. Review status: criteria provided, single submitter. Criteria: ACMG Guidelines, 2015. Collection method: clinical testing. Allele origin: germline.
Comment: The SHOC2 c.1580A>G variant is predicted to result in the amino acid substitution p.Asn527Ser. To our knowledge, this variant has not been reported in the literature. This variant is reported in 0.021% of alleles in individuals of European (Non-Finnish) descent in gnomAD, which is likely too frequent for a disease-causing variant. Although we suspect that this variant may be benign, at this time, the clinical significance of this variant is uncertain due to the absence of conclusive functional and genetic evidence.

Blueprint Genetics
Classification: Likely benign. Last evaluated: 2024-09-03. Review status: criteria provided, single submitter. Criteria: ACMG Guidelines, 2015. Collection method: clinical testing. Allele origin: germline.

GeneDx
Classification: Uncertain significance. Last evaluated: 2024-06-26. Review status: criteria provided, single submitter. Criteria: GeneDx Variant Classification Process June 2021. Collection method: clinical testing. Allele origin: germline. Affected: yes.
Comment: Has not been previously published as pathogenic or benign to our knowledge; In silico analysis supports that this missense variant has a deleterious effect on protein structure/function; This variant is associated with the following publications: (PMID: 29493581)

Ambry Genetics
Classification: Likely benign for Cardiovascular phenotype. Last evaluated: 2020-09-10. Review status: criteria provided, single submitter. Criteria: Ambry Variant Classification Scheme 2023. Collection method: clinical testing. Allele origin: germline.